The following is an entry in ClinVar:

ClinVar aggregate classification (germline): Uncertain significance. Review status: criteria provided, multiple submitters, no conflicts (2 of 4 stars). 4 submissions from 4 submitters: Uncertain significance (4). Last evaluated 2025-10-21.

Conditions:
Hereditary cancer-predisposing syndrome. Also called: Hereditary Cancer Syndrome; Neoplastic Syndromes, Hereditary; Tumor predisposition; Hereditary neoplastic syndrome. Identifiers: Orphanet 140162, MedGen C0027672, MeSH D009386, MONDO:0015356.
Familial cancer of breast. Also called: BREAST CANCER, FAMILIAL; Hereditary breast cancer; hereditary breast carcinoma. Identifiers: Orphanet 227535, MedGen C0346153, MONDO:0016419, OMIM 114480. Disease mechanism: loss of function.

Allele frequency attached by ClinVar (database versions not stated): gnomAD exomes below 0.00001.
gnomAD v4.1: 1 of 1,524,484 alleles (0.000066%); highest among the groups gnomAD compares: Non-Finnish European, 0.000091%; no homozygotes.

Submissions (4):

Labcorp Genetics (formerly Invitae), Labcorp
Classification: Uncertain significance for Familial cancer of breast. Last evaluated: 2025-10-21. Review status: criteria provided, single submitter. Criteria: Invitae Variant Classification Sherloc (09022015). Collection method: clinical testing. Allele origin: germline.
Comment: This sequence change replaces leucine, which is neutral and non-polar, with arginine, which is basic and polar, at codon 280 of the CHEK2 protein (p.Leu280Arg). This variant is not present in population databases (gnomAD no frequency). This missense change has been observed in individual(s) with breast cancer (PMID: 30287823). ClinVar contains an entry for this variant (Variation ID: 481136). An algorithm developed to predict the effect of missense changes on protein structure and function (PolyPhen-2) suggests that this variant is likely to be disruptive. In summary, the available evidence is currently insufficient to determine the role of this variant in disease. Therefore, it has been classified as a Variant of Uncertain Significance.

Center for Genomic Medicine, Rigshospitalet, Copenhagen University Hospital
Classification: Uncertain significance. Last evaluated: 2025-03-04. Review status: criteria provided, single submitter. Criteria: ACMG Guidelines, 2015. Collection method: clinical testing. Allele origin: germline.

Ambry Genetics
Classification: Uncertain significance for Hereditary cancer-predisposing syndrome. Last evaluated: 2024-02-20. Review status: criteria provided, single submitter. Criteria: Ambry Variant Classification Scheme 2023. Collection method: clinical testing. Allele origin: germline.
Comment: The p.L280R variant (also known as c.839T>G), located in coding exon 6 of the CHEK2 gene, results from a T to G substitution at nucleotide position 839. The leucine at codon 280 is replaced by arginine, an amino acid with dissimilar properties. This alteration has been reported with a carrier frequency of 0.00014 in 7051 unselected breast cancer patients and 0.00000 in 11241 female controls of Japanese ancestry (Momozawa Y et al. Nat Commun, 2018 10;9:4083).This amino acid position is well conserved in available vertebrate species. In addition, this alteration is predicted to be deleterious by in silico analysis. Since supporting evidence is limited at this time, the clinical significance of this alteration remains unclear.

Baylor Genetics
Classification: Uncertain significance for Familial cancer of breast. Last evaluated: 2023-10-05. Review status: criteria provided, single submitter. Criteria: ACMG Guidelines, 2015. Collection method: clinical testing. Allele origin: unknown.

Literature cited by the submitters: PubMed 30287823 (cited by Labcorp Genetics (formerly Invitae), Labcorp and Ambry Genetics).

NM_007194.4(CHEK2):c.839T>G (p.Leu280Arg)

Gene: CHEK2 (checkpoint kinase 2; minus strand). Cytogenetic location: 22q12.1.
Variant type: single nucleotide variant.
Coding change: c.839T>G on transcript NM_007194.4 (MANE Select); coding-DNA position 839, T replaced by G.
Protein change: p.Leu280Arg; replaces leucine 280 with arginine.
Molecular consequence: missense variant.
Genome position (GRCh38, 1-based): chr22:28,710,013, A>C on the plus strand (T>G on the coding strand, the complement: CHEK2 is on the minus strand). VCF-style: chr22-28710013-A-C. GRCh37 (hg19) VCF-style: chr22-29106001-A-C.
Other names: c.968T>G, p.Leu323Arg (NM_001005735.3); c.176T>G, p.Leu59Arg (NM_001257387.3); c.638T>G, p.Leu213Arg (NM_001349956.3); c.839T>G, p.Leu280Arg (NM_145862.3); short protein forms L280R, L213R, L59R, L323R.
Identifiers: ClinVar variation 481136 (VCV000481136.18), dbSNP rs1490781911, ClinGen allele CA411102296.
Genomic context (GRCh38, chr22:28,710,013, plus strand): 5'-TCTCATATTTTGAGATAGATAAATCTAAGTATGAGTCATATAATAATACTTACATGATTT[A>C]GCTTTTTCAAAATTTCTATTTCTGTTTCAACATTGAGAGCTGGGTCCTTTGATAAACAGA-3'
Protein context (NP_009125.1, residues 270-290): VETEIEILKK[Leu280Arg]NHPCIIKIKN